The following is an entry in ClinVar:

NM_001374353.1(GLI2):c.2235G>A (p.Pro745=)

Gene: GLI2 (GLI family zinc finger 2; plus strand). Cytogenetic location: 2q14.2.
Variant type: single nucleotide variant.
Coding change: c.2235G>A on transcript NM_001374353.1 (MANE Select); coding-DNA position 2235, G replaced by A.
Protein change: p.Pro745=; no amino-acid change (proline 745 retained).
Molecular consequence: synonymous variant.
Genome position (GRCh38, 1-based): chr2:120,986,607, G>A. VCF-style: chr2-120986607-G-A. GRCh37 (hg19) VCF-style: chr2-121744183-G-A.
Other names: c.2286G>A, p.Pro762= (NM_001371271.1, NM_005270.5); c.1860G>A, p.Pro620= (NM_001374354.1).
Identifiers: ClinVar variation 4989666 (VCV004989666.1).

ClinVar aggregate classification (germline): Likely benign (1 of 4 stars; one submission).

Conditions:
GLI2-related disorder. Also called: GLI2-related condition; GLI2-related disorders.

gnomAD v4.1: 73 of 1,613,826 alleles (0.0045%); highest among the groups gnomAD compares: Non-Finnish European, 0.0054%; no homozygotes.

Submission:

PreventionGenetics, part of Exact Sciences
Classification: Likely benign for GLI2-related condition. Last evaluated: 2025-07-10. Review status: criteria provided, single submitter. Criteria: ACMG Guidelines, 2015. Collection method: clinical testing. Allele origin: germline.
Comment: This variant is classified as likely benign based on ACMG/AMP sequence variant interpretation guidelines (Richards et al. 2015 PMID: 25741868, with internal and published modifications).